The following is an entry in ClinVar:

NM_004990.4(MARS1):c.2209C>T (p.Arg737Trp)

Gene: MARS1 (methionyl-tRNA synthetase 1; plus strand). Cytogenetic location: 12q13.3.
Variant type: single nucleotide variant.
Coding change: c.2209C>T on transcript NM_004990.4 (MANE Select); coding-DNA position 2209, C replaced by T.
Protein change: p.Arg737Trp; replaces arginine 737 with tryptophan.
Molecular consequence: missense variant.
Genome position (GRCh38, 1-based): chr12:57,515,154, C>T. VCF-style: chr12-57515154-C-T. GRCh37 (hg19) VCF-style: chr12-57908937-C-T.
Other names: short protein forms R737W.
Identifiers: ClinVar variation 1182442 (VCV001182442.9), dbSNP rs139536122, ClinGen allele CA6650750.

ClinVar aggregate classification (germline): Uncertain significance. Review status: criteria provided, multiple submitters, no conflicts (2 of 4 stars). 3 submissions from 3 submitters: Uncertain significance (3). Last evaluated 2024-03-21.

Conditions:
Severe early-onset pulmonary alveolar proteinosis due to MARS deficiency. Also called: PULMONARY ALVEOLAR PROTEINOSIS, REUNION ISLAND; Interstitial lung and liver disease. Identifiers: Orphanet 440427, MedGen C4225400, MONDO:0014206, OMIM 615486.
Charcot-Marie-Tooth disease axonal type 2U. Also called: CHARCOT-MARIE-TOOTH NEUROPATHY, TYPE 2U; CHARCOT-MARIE-TOOTH DISEASE, AXONAL, AUTOSOMAL DOMINANT, TYPE 2U. Identifiers: Orphanet 397735, MedGen C4084821, MONDO:0014566, OMIM 616280.

gnomAD v4.1: 29 of 1,614,060 alleles (0.0018%); highest among the groups gnomAD compares: East Asian, 0.0089%; no homozygotes.

Submissions (3):

Labcorp Genetics (formerly Invitae), Labcorp
Classification: Uncertain significance for Charcot-Marie-Tooth disease axonal type 2U; Severe early-onset pulmonary alveolar proteinosis due to MARS deficiency. Last evaluated: 2024-03-21. Review status: criteria provided, single submitter. Criteria: Invitae Variant Classification Sherloc (09022015). Collection method: clinical testing. Allele origin: germline.
Comment: This sequence change replaces arginine, which is basic and polar, with tryptophan, which is neutral and slightly polar, at codon 737 of the MARS protein (p.Arg737Trp). This variant is present in population databases (rs139536122, gnomAD 0.02%). This missense change has been observed in individuals with MARS-related conditions or its clinical features (PMID: 29582526; Invitae). ClinVar contains an entry for this variant (Variation ID: 1182442). An algorithm developed to predict the effect of missense changes on protein structure and function (PolyPhen-2) suggests that this variant is likely to be disruptive. In summary, the available evidence is currently insufficient to determine the role of this variant in disease. Therefore, it has been classified as a Variant of Uncertain Significance.

Ambry Genetics
Classification: Uncertain significance. Last evaluated: 2023-08-16. Review status: criteria provided, single submitter. Criteria: Ambry Variant Classification Scheme 2023. Collection method: clinical testing. Allele origin: germline.
Comment: Unlikely to be causative of MARS1-related Charcot-Marie-Tooth disease, type 2 (AD) Based on insufficient or conflicting evidence, the clinical significance of this alteration remains unclear.

GeneDx
Classification: Uncertain significance. Last evaluated: 2020-02-03. Review status: criteria provided, single submitter. Criteria: GeneDx Variant Classification Process June 2021. Collection method: clinical testing. Allele origin: germline. Affected: yes.
Comment: In silico analysis supports that this missense variant has a deleterious effect on protein structure/function; This variant is associated with the following publications: (PMID: 30643024, 29582526)

Literature cited by the submitters: PubMed 29582526 (cited by Labcorp Genetics (formerly Invitae), Labcorp).